The following is an entry in ClinVar:

ClinVar aggregate classification (germline): Conflicting classifications of pathogenicity. Review status: criteria provided, conflicting classifications (1 of 4 stars). 10 submissions from 10 submitters: Uncertain significance (2); Benign (1); Likely benign (5). 2 of the submissions do not count toward it. Last evaluated 2026-03-16.

Conditions:
Hereditary cancer-predisposing syndrome. Also called: Hereditary neoplastic syndrome; Neoplastic Syndromes, Hereditary; Hereditary Cancer Syndrome; Tumor predisposition. Identifiers: Orphanet 140162, MedGen C0027672, MeSH D009386, MONDO:0015356.
Hereditary breast ovarian cancer syndrome. Also called: Hereditary breast and ovarian cancer syndrome (HBOC); Breast and ovarian cancer; Hereditary breast and ovarian cancer syndrome; BRCA1- and BRCA2-Associated Hereditary Breast and Ovarian Cancer; Hereditary breast and/or ovarian cancer syndrome; Hereditary breast and ovarian cancer. Identifiers: Orphanet 145, MedGen C0677776, MeSH D061325, MONDO:0003582. Disease mechanism: loss of function.
Breast-ovarian cancer, familial, susceptibility to, 2 (BROVCA2). Also called: BRCA2 Hereditary Breast and Ovarian Cancer. Identifiers: Orphanet 145, MedGen C2675520, MONDO:0012933, OMIM 612555. Disease mechanism: loss of function.
Malignant tumor of breast. Also called: Malignant breast neoplasm; Cancer breast. Identifiers: MedGen C0006142, MONDO:0007254. Disease mechanism: loss of function.

Allele frequency attached by ClinVar (database versions not stated): gnomAD exomes 0.00001.
gnomAD v4.1: 3 of 1,607,146 alleles (0.00019%); highest among the groups gnomAD compares: Non-Finnish European, 0.00025%; no homozygotes.

Submissions (10):

Women's Health and Genetics/Laboratory Corporation of America, LabCorp
Classification: Uncertain significance. Last evaluated: 2026-03-16. Review status: criteria provided, single submitter. Criteria: LabCorp Variant Classification Summary - May 2015. Collection method: clinical testing. Allele origin: germline.
Comment: Variant summary: BRCA2 c.6362A>G (p.Glu2121Gly) results in a non-conservative amino acid change in the encoded protein sequence. Algorithms developed to predict the effect of missense changes on protein structure and function are either unavailable or do not agree on the potential impact of this missense change. The frequency data for this variant in gnomAD is considered unreliable, as metrics indicate poor data quality at this position. c.6362A>G has been observed in individual(s) undergoing genetic testing for BRCA1/2, without strong evidence for causality and in at least one case it was reported as likely benign due to lack of segregation, however no further details were provided for this family (e.g. Sinilnikova_2006, Coulet_2010, Maxwell_2016). These report(s) do not provide unequivocal conclusions about association of the variant with Hereditary Breast And Ovarian Cancer Syndrome. To our knowledge, no experimental evidence demonstrating an impact on protein function has been reported. The following publications have been ascertained in the context of this evaluation (PMID: 20858050, 27153395, 16528604). ClinVar contains an entry for this variant (Variation ID: 52074). Based on the evidence outlined above, the variant was classified as uncertain significance.

Labcorp Genetics (formerly Invitae), Labcorp
Classification: Likely benign for Hereditary breast ovarian cancer syndrome. Last evaluated: 2026-01-25. Review status: criteria provided, single submitter. Criteria: Invitae Variant Classification Sherloc (09022015). Collection method: clinical testing. Allele origin: germline.

Quest Diagnostics Nichols Institute San Juan Capistrano
Classification: Uncertain significance. Last evaluated: 2024-09-13. Review status: criteria provided, single submitter. Criteria: Quest Diagnostics criteria. Collection method: clinical testing. Allele origin: unknown.
Comment: The BRCA2 c.6362A>G (p.Glu2121Gly) variant has been reported in the published literature in a family at high risk for breast and/or ovarian cancer (PMID: 27153395 (2016)). It was detected in the somatic state in a sarcoma/stromal tumor sample (PMID: 34820595 (2021)). This variant has not been reported in large, multi-ethnic general populations (Genome Aggregation Database). Analysis of this variant using bioinformatics tools for the prediction of the effect of amino acid changes on protein structure and function yielded predictions that this variant is benign. Based on the available information, we are unable to determine the clinical significance of this variant.

All of Us Research Program, National Institutes of Health
Classification: Likely benign for Breast-ovarian cancer, familial, susceptibility to, 2. Last evaluated: 2024-02-05. Review status: criteria provided, single submitter. Criteria: ACMG Guidelines, 2015. Collection method: clinical testing. Allele origin: germline. Inheritance: Autosomal dominant inheritance. Observed: 5 variant alleles, 5 heterozygotes.
Comment: This study involves interpretation of variants in research participants for the purpose of population health screening. Participant phenotype was not available at the time of variant classification. Additional details can be found in publication PMID: 35346344, PMCID: PMC8962531

Mendelics
Classification: Benign for Breast-ovarian cancer, familial, susceptibility to, 2. Last evaluated: 2019-05-28. Review status: criteria provided, single submitter. Criteria: Mendelics Assertion Criteria 2017. Collection method: clinical testing. Allele origin: unknown.

Color Diagnostics, LLC DBA Color Health
Classification: Likely benign for Hereditary cancer-predisposing syndrome. Last evaluated: 2018-04-02. Review status: criteria provided, single submitter. Criteria: ACMG Guidelines, 2015. Collection method: clinical testing. Allele origin: germline.

Ambry Genetics
Classification: Likely benign for Hereditary cancer-predisposing syndrome. Last evaluated: 2018-02-11. Review status: criteria provided, single submitter. Criteria: Ambry Variant Classification Scheme 2023. Collection method: clinical testing. Allele origin: germline.

GeneDx
Classification: Likely benign. Last evaluated: 2017-06-16. Review status: criteria provided, single submitter. Criteria: GeneDx Variant Classification (06012015). Collection method: clinical testing. Allele origin: germline. Affected: yes.
Comment: This variant is considered likely benign or benign based on one or more of the following criteria: it is a conservative change, it occurs at a poorly conserved position in the protein, it is predicted to be benign by multiple in silico algorithms, and/or has population frequency not consistent with disease.

Sharing Clinical Reports Project (SCRP)
Classification: Likely benign for Breast-ovarian cancer, familial 2. Last evaluated: 2012-05-31. Review status: no assertion criteria provided. Collection method: clinical testing. Allele origin: germline. Not counted in ClinVar's aggregate classification.

Department of Pathology and Laboratory Medicine, Sinai Health System
Classification: Uncertain significance for Malignant tumor of breast. Review status: no assertion criteria provided. Collection method: clinical testing. Allele origin: unknown. Affected: yes. Study: The Canadian Open Genetics Repository (COGR). Not counted in ClinVar's aggregate classification.
Comment: The p.Glu2121Gly variant was not identified in the literature. The variant was identified in HGMD, and in UMD (1X as an unclassified variant). This residue is not conserved in mammals or lower organisms, increasing the likelihood this variant does not have clinical significance. In addition, computational analyses (PolyPhen-2, SIFT, AlignGVGD, BLOSUM, MutationTaster) provide inconsistent predictions regarding the impact to the protein; this information is not very predictive of pathogenicity. In summary, based on the above information, the clinical significance of this variant cannot be determined with certainty at this time. This variant is classified as a variant of unknown significance.

Literature cited by the submitters: PubMed 20858050 (cited by Women's Health and Genetics/Laboratory Corporation of America, LabCorp and Quest Diagnostics Nichols Institute San Juan Capistrano); PubMed 16528604 (cited by Women's Health and Genetics/Laboratory Corporation of America, LabCorp); PubMed 27153395 (cited by 3 submitters); PubMed 30212499 (cited by Quest Diagnostics Nichols Institute San Juan Capistrano); PubMed 34820595 (cited by Quest Diagnostics Nichols Institute San Juan Capistrano); PubMed 29106415 (cited by Quest Diagnostics Nichols Institute San Juan Capistrano); PubMed 29884841 (cited by Quest Diagnostics Nichols Institute San Juan Capistrano); PubMed 31131967 (cited by Quest Diagnostics Nichols Institute San Juan Capistrano); PubMed 31484976 (cited by Quest Diagnostics Nichols Institute San Juan Capistrano).

NM_000059.4(BRCA2):c.6362A>G (p.Glu2121Gly)

Gene: BRCA2 (BRCA2 DNA repair associated; plus strand). Cytogenetic location: 13q13.1.
Variant type: single nucleotide variant.
Coding change: c.6362A>G on transcript NM_000059.4 (MANE Select); coding-DNA position 6362, A replaced by G.
Protein change: p.Glu2121Gly; replaces glutamic acid 2121 with glycine.
Molecular consequence: missense variant.
Genome position (GRCh38, 1-based): chr13:32,340,717, A>G. VCF-style: chr13-32340717-A-G. GRCh37 (hg19) VCF-style: chr13-32914854-A-G.
Other names: 6590A>G; short protein forms E2121G.
Identifiers: ClinVar variation 52074 (VCV000052074.24), dbSNP rs397507846, ClinGen allele CA023954.